The following is an entry in ClinVar:

ClinVar aggregate classification (germline): Conflicting classifications of pathogenicity. Review status: criteria provided, conflicting classifications (1 of 4 stars). 10 submissions from 10 submitters: Uncertain significance (7); Likely benign (1). 2 of the submissions do not count toward it. Last evaluated 2026-09-28.

Conditions:
Familial cancer of breast. Also called: hereditary breast carcinoma; Hereditary breast cancer; BREAST CANCER, FAMILIAL. Identifiers: Orphanet 227535, MedGen C0346153, MONDO:0016419, OMIM 114480. Disease mechanism: loss of function.
PALB2-related disorder. Also called: PALB2-related condition; PALB2-related disorders.
Hereditary cancer-predisposing syndrome. Also called: Neoplastic Syndromes, Hereditary; Tumor predisposition; Hereditary Cancer Syndrome; Hereditary neoplastic syndrome. Identifiers: Orphanet 140162, MedGen C0027672, MeSH D009386, MONDO:0015356.
Familial pancreatic carcinoma. Identifiers: Orphanet 1333, MedGen C2931038, MONDO:0015278, OMIM 260350.

Allele frequency attached by ClinVar (database versions not stated): ExAC 0.00002; TOPMed below 0.00001; gnomAD exomes 0.00001.
gnomAD v4.1: 9 of 1,614,114 alleles (0.00056%); highest among the groups gnomAD compares: Middle Eastern, 0.016%; no homozygotes.

Submissions (10):

Myriad Genetics, Inc.
Classification: Likely benign for Familial cancer of breast. Last evaluated: 2026-09-28. Review status: criteria provided, single submitter. Criteria: Myriad Autosomal Dominant, Autosomal Recessive and X-Linked Classification Criteria (2023). Collection method: clinical testing. Allele origin: unknown.
Comment: This variant is considered likely benign. This variant is strongly associated with less severe personal and family histories of cancer, typical for individuals without pathogenic variants in this gene [PMID: 25085752].

Labcorp Genetics (formerly Invitae), Labcorp
Classification: Uncertain significance for Familial cancer of breast. Last evaluated: 2025-12-17. Review status: criteria provided, single submitter. Criteria: Invitae Variant Classification Sherloc (09022015). Collection method: clinical testing. Allele origin: germline.
Comment: This sequence change replaces arginine, which is basic and polar, with glutamine, which is neutral and polar, at codon 414 of the PALB2 protein (p.Arg414Gln). This variant is present in population databases (rs749461008, gnomAD 0.003%). This variant has not been reported in the literature in individuals affected with PALB2-related conditions. ClinVar contains an entry for this variant (Variation ID: 188322). Invitae Evidence Modeling of protein sequence and biophysical properties (such as structural, functional, and spatial information, amino acid conservation, physicochemical variation, residue mobility, and thermodynamic stability) indicates that this missense variant is expected to disrupt PALB2 protein function with a positive predictive value of 80%. In summary, the available evidence is currently insufficient to determine the role of this variant in disease. Therefore, it has been classified as a Variant of Uncertain Significance.

Ambry Genetics
Classification: Uncertain significance for Hereditary cancer-predisposing syndrome. Last evaluated: 2024-09-02. Review status: criteria provided, single submitter. Criteria: Ambry Variant Classification Scheme 2023. Collection method: clinical testing. Allele origin: germline.
Comment: The p.R414Q variant (also known as c.1241G>A), located in coding exon 4 of the PALB2 gene, results from a G to A substitution at nucleotide position 1241. The arginine at codon 414 is replaced by glutamine, an amino acid with highly similar properties. In one German study, this alteration was detected in 0/818 patients with familial breast cancer and in 1/450 cancer-free controls (Hellebrand H, et al. Hum. Mutat. 2011;32(6):E2176-88); it was also absent in 13087 breast cancer cases but identified in one of 5488 control individuals from the UK (Decker B et al. J Med Genet, 2017 11;54:732-741). This variant was also identified in 0/6385 invasive epithelial ovarian cancer cases and in 1/6115 control individuals (Song H et al. J Med Genet, 2021 05;58:305-313). This amino acid position is highly conserved in available vertebrate species. In addition, this alteration is predicted to be tolerated by in silico analysis. Since supporting evidence is limited at this time, the clinical significance of this alteration remains unclear.

Color Diagnostics, LLC DBA Color Health
Classification: Uncertain significance for Hereditary cancer-predisposing syndrome. Last evaluated: 2024-03-19. Review status: criteria provided, single submitter. Criteria: ACMG Guidelines, 2015. Collection method: clinical testing. Allele origin: germline.
Comment: This missense variant replaces arginine with glutamine at codon 414 of the PALB2 protein. Computational prediction suggests that this variant may not impact protein structure and function. To our knowledge, functional studies have not been reported for this variant. This variant has been reported in breast and ovarian cancer case controls studies in unaffected individuals and absent in cancer cases (PMID: 21618343, 32546565), and it has also been detected in a breast cancer case-control meta-analysis in 1/60466 cases and 1/53461 unaffected individuals (PMID: 33471991; Leiden Open Variation Database DB-ID PALB2_011059). This variant has been identified in 2/250798 chromosomes in the general population by the Genome Aggregation Database (gnomAD). The available evidence is insufficient to determine the role of this variant in disease conclusively. Therefore, this variant is classified as a Variant of Uncertain Significance.

Baylor Genetics
Classification: Uncertain significance for Familial cancer of breast. Last evaluated: 2024-01-17. Review status: criteria provided, single submitter. Criteria: ACMG Guidelines, 2015. Collection method: clinical testing. Allele origin: unknown.

Department of Pathology and Laboratory Medicine, Sinai Health System
Classification: Uncertain significance for Familial pancreatic carcinoma. Last evaluated: 2021-03-23. Review status: criteria provided, single submitter. Criteria: ACMG Guidelines, 2015. Collection method: clinical testing. Allele origin: germline. Affected: yes.

Genetic Services Laboratory, University of Chicago
Classification: Uncertain significance. Last evaluated: 2020-12-03. Review status: criteria provided, single submitter. Criteria: ACMG Guidelines, 2015. Collection method: clinical testing. Allele origin: germline. Affected: no.
Comment: DNA sequence analysis of the PALB2 gene demonstrated a sequence change, c.1241G>A, in exon 4 that results in an amino acid change, p.Arg414Gln. This sequence change does not appear to have been previously described in patients with PALB2-related disorders and has been described in the gnomAD database in two individuals with an overall population frequency of 0.0008% (dbSNP rs749461008). The p.Arg414Gln change affects a highly conserved amino acid residue located in a domain of the PALB2 protein that is not known to be functional. In-silico pathogenicity prediction tools (SIFT, PolyPhen2, Align GVGD, REVEL) provide contradictory results for the p.Arg414Gln substitution. Due to these contrasting evidences and the lack of functional studies, the clinical significance of the p.Arg414Gln change remains unknown at this time.

GeneDx
Classification: Uncertain significance. Last evaluated: 2020-09-23. Review status: criteria provided, single submitter. Criteria: GeneDx Variant Classification Process June 2021. Collection method: clinical testing. Allele origin: germline. Affected: yes.
Comment: Not observed at a significant frequency in large population cohorts (Lek et al., 2016); In silico analysis supports that this missense variant has a deleterious effect on protein structure/function; Not detected in a cohort of German patients with familial breast cancer, but was observed once in the unaffected control group (Hellebrand 2011); This variant is associated with the following publications: (PMID: 21618343, 26681312, 26979391, 32041954)

PreventionGenetics, part of Exact Sciences
Classification: Uncertain significance for PALB2-related condition. Last evaluated: 2024-04-08. Review status: no assertion criteria provided. Collection method: clinical testing. Allele origin: germline. Not counted in ClinVar's aggregate classification.
Comment: The PALB2 c.1241G>A variant is predicted to result in the amino acid substitution p.Arg414Gln. This variant has been reported in a control individual from a study of patients with breast cancer (Table S2, Hellebrand et al. 2011. PubMed ID: 21618343). This variant is reported in 0.0029% of alleles in individuals of Latino descent in gnomAD and is interpreted as a variant of uncertain significance in ClinVar. At this time, the clinical significance of this variant is uncertain due to the absence of conclusive functional and genetic evidence.

Counsyl
Classification: Uncertain significance for Familial cancer of breast. Last evaluated: 2016-10-03. Review status: no assertion criteria provided. Collection method: clinical testing. Allele origin: unknown. Not counted in ClinVar's aggregate classification.

Literature cited by the submitters: PubMed 25085752 (cited by Myriad Genetics, Inc.); PubMed 21618343 (cited by 4 submitters); PubMed 28779002 (cited by Ambry Genetics); PubMed 32546565 (cited by Ambry Genetics and Color Diagnostics, LLC DBA Color Health); PubMed 33471991 (cited by Color Diagnostics, LLC DBA Color Health and Department of Pathology and Laboratory Medicine, Sinai Health System).

NM_024675.4(PALB2):c.1241G>A (p.Arg414Gln)

Gene: PALB2 (partner and localizer of BRCA2; minus strand). Cytogenetic location: 16p12.2.
Variant type: single nucleotide variant.
Coding change: c.1241G>A on transcript NM_024675.4 (MANE Select); coding-DNA position 1241, G replaced by A.
Protein change: p.Arg414Gln; replaces arginine 414 with glutamine.
Molecular consequence: missense variant.
Genome position (GRCh38, 1-based): chr16:23,635,305, C>T on the plus strand (G>A on the coding strand, the complement: PALB2 is on the minus strand). VCF-style: chr16-23635305-C-T. GRCh37 (hg19) VCF-style: chr16-23646626-C-T.
Other names: short protein forms R414Q.
Identifiers: ClinVar variation 188322 (VCV000188322.31), dbSNP rs749461008, ClinGen allele CA334607.
Genomic context (GRCh38, chr16:23,635,305, plus strand): 5'-TCCAAATGACTCTGAATGACAGCCTCCACGGCTACTTTCCTCTGGCAATTGGACATGCTT[C>T]GTGTTGTTCTAACATAATATTCTGCAGGAAACAGAAGGCCTTCAGGCACTGTGCAAGAAT-3'
Protein context (NP_078951.2, residues 404-424): FPAEYYVRTT[Arg414Gln]SMSNCQRKVA